The following is an entry in ClinVar:

ClinVar aggregate classification (germline): Uncertain significance (1 of 4 stars; one submission).

Conditions:
Hereditary cancer-predisposing syndrome. Also called: Tumor predisposition; Neoplastic Syndromes, Hereditary; Hereditary Cancer Syndrome; Hereditary neoplastic syndrome. Identifiers: Orphanet 140162, MedGen C0027672, MeSH D009386, MONDO:0015356.

gnomAD v4.1: 2 of 1,613,956 alleles (0.00012%); highest among the groups gnomAD compares: East Asian, 0.0022%; no homozygotes.

Submission:

Ambry Genetics
Classification: Uncertain significance for Hereditary cancer-predisposing syndrome. Last evaluated: 2025-02-02. Review status: criteria provided, single submitter. Criteria: Ambry Variant Classification Scheme 2023. Collection method: clinical testing. Allele origin: germline.
Comment: The p.G1116S variant (also known as c.3346G>A), located in coding exon 15 of the APC gene, results from a G to A substitution at nucleotide position 3346. The glycine at codon 1116 is replaced by serine, an amino acid with similar properties. This amino acid position is conserved. In addition, in silico predictors for this gene do not accurately predict pathogenicity. Based on the available evidence, the clinical significance of this variant remains unclear.

NM_000038.6(APC):c.3346G>A (p.Gly1116Ser)

Gene: APC (APC regulator of Wnt signaling pathway; plus strand). Cytogenetic location: 5q22.2.
Variant type: single nucleotide variant.
Coding change: c.3346G>A on transcript NM_000038.6 (MANE Select); coding-DNA position 3346, G replaced by A.
Protein change: p.Gly1116Ser; replaces glycine 1116 with serine.
Molecular consequence: missense variant. On other transcripts: non-coding transcript variant (2).
Genome position (GRCh38, 1-based): chr5:112,838,940, G>A. VCF-style: chr5-112838940-G-A. GRCh37 (hg19) VCF-style: chr5-112174637-G-A.
Other names: c.3346G>A, p.Gly1116Ser (NM_001127510.3, NM_001354895.2, NM_001407450.1); c.3292G>A, p.Gly1098Ser (NM_001127511.3); c.3400G>A, p.Gly1134Ser (NM_001354896.2, NM_001407447.1, NM_001407448.1 and 1 more transcripts); c.3376G>A, p.Gly1126Ser (NM_001354897.2); c.3271G>A, p.Gly1091Ser (NM_001354898.2); c.3262G>A, p.Gly1088Ser (NM_001354899.2); c.3223G>A, p.Gly1075Ser (NM_001354900.2); c.3169G>A, p.Gly1057Ser (NM_001354901.2, NM_001407453.1); and 11 more; short protein forms G1025S, G1033S, G1075S, G1098S, G1116S, G987S, G1088S, G1106S.
Identifiers: ClinVar variation 3882205 (VCV003882205.1).